The following is an entry in ClinVar:

NM_001256071.3(RNF213):c.7268G>T (p.Gly2423Val)

Gene: RNF213 (ring finger protein 213; plus strand). Cytogenetic location: 17q25.3.
Variant type: single nucleotide variant.
Coding change: c.7268G>T on transcript NM_001256071.3 (MANE Select); coding-DNA position 7268, G replaced by T.
Protein change: p.Gly2423Val; replaces glycine 2423 with valine.
Molecular consequence: missense variant.
Genome position (GRCh38, 1-based): chr17:80,345,603, G>T. VCF-style: chr17-80345603-G-T. GRCh37 (hg19) VCF-style: chr17-78319403-G-T.
Other names: c.7415G>T, p.Gly2472Val (NM_001410195.1, NM_020914.5); short protein forms G2423V, G2472V.
Identifiers: ClinVar variation 4529565 (VCV004529565.1).

ClinVar aggregate classification (germline): Uncertain significance (1 of 4 stars; one submission).

Submission:

GeneDx
Classification: Uncertain significance. Last evaluated: 2025-05-13. Review status: criteria provided, single submitter. Criteria: GeneDx Variant Classification Process June 2021. Collection method: clinical testing. Allele origin: germline. Affected: yes.
Comment: Not observed at significant frequency in large population cohorts (gnomAD); In silico analysis supports that this missense variant has a deleterious effect on protein structure/function; Has not been previously published as pathogenic or benign to our knowledge